The following is an entry in ClinVar:

ClinVar aggregate classification (germline): Uncertain significance (1 of 4 stars; one submission).

Conditions:
Progressive myoclonic epilepsy type 3. Also called: EPILEPSY, PROGRESSIVE MYOCLONIC, 3, WITH OR WITHOUT INTRACELLULAR INCLUSIONS; CEROID LIPOFUSCINOSIS, NEURONAL, 14; EPILEPSY, PROGRESSIVE MYOCLONIC, 3, WITHOUT INTRACELLULAR INCLUSIONS; KCTD7-Related Progressive Myoclonic Epilepsy. Identifiers: Orphanet 263516, MedGen C2673257, MONDO:0012721, OMIM 611726.

Submission:

Neuberg Centre For Genomic Medicine, NCGM
Classification: Uncertain significance for Progressive myoclonic epilepsy type 3. Review status: criteria provided, single submitter. Criteria: ACMG Guidelines, 2015. Collection method: clinical testing. Allele origin: germline. Affected: yes.
Comment: The missense variant p.V190A in KCTD7 (NM_153033.5) has not been reported previously as a pathogenic variant nor as a benign variant, to our knowledge. The p.V190A variant is novel (not in any individuals) in gnomAD Exomes and is novel (not in any individuals) in 1000 Genomes. The p.V190A missense variant is predicted to be damaging by both SIFT and PolyPhen2. The valine residue at codon 190 of KCTD7 is conserved in all mammalian species. The nucleotide c.569 in KCTD7 is predicted conserved by GERP++ and PhyloP across 100 vertebrates. For these reasons, this variant has been classified as Uncertain Significance.

NM_153033.5(KCTD7):c.569T>C (p.Val190Ala)

Gene: KCTD7 (potassium channel tetramerization domain containing 7; plus strand). Cytogenetic location: 7q11.21.
Variant type: single nucleotide variant.
Coding change: c.569T>C on transcript NM_153033.5 (MANE Select); coding-DNA position 569, T replaced by C.
Protein change: p.Val190Ala; replaces valine 190 with alanine.
Molecular consequence: missense variant.
Genome position (GRCh38, 1-based): chr7:66,638,931, T>C. VCF-style: chr7-66638931-T-C. GRCh37 (hg19) VCF-style: chr7-66103918-T-C.
Other names: c.569T>C, p.Val190Ala (NM_001167961.2); short protein forms V190A.
Identifiers: ClinVar variation 1878517 (VCV001878517.1), dbSNP rs2535251294, ClinGen allele CA367696819.